The following is an entry in ClinVar:

NM_005476.7(GNE):c.1703G>C (p.Gly568Ala)

Gene: GNE (glucosamine (UDP-N-acetyl)-2-epimerase/N-acetylmannosamine kinase; minus strand). Cytogenetic location: 9p13.3.
Variant type: single nucleotide variant.
Coding change: c.1703G>C on transcript NM_005476.7 (MANE Select); coding-DNA position 1703, G replaced by C.
Protein change: p.Gly568Ala; replaces glycine 568 with alanine.
Molecular consequence: missense variant.
Genome position (GRCh38, 1-based): chr9:36,219,951, C>G on the plus strand (G>C on the coding strand, the complement: GNE is on the minus strand). VCF-style: chr9-36219951-C-G. GRCh37 (hg19) VCF-style: chr9-36219948-C-G.
Other names: c.1796G>C, p.Gly599Ala (NM_001128227.3); c.1481G>C, p.Gly494Ala (NM_001190383.3); c.1373G>C, p.Gly458Ala (NM_001190384.3); c.1526G>C, p.Gly509Ala (NM_001190388.2, NM_001374798.1); c.1550G>C, p.Gly517Ala (NM_001374797.1); c.1796G>C (NM_001128227.2); short protein forms G494A, G458A, G509A, G568A, G599A, G517A.
Identifiers: ClinVar variation 1391556 (VCV001391556.9), dbSNP rs1419793175, ClinGen allele CA373425708.

ClinVar aggregate classification (germline): Uncertain significance. Review status: criteria provided, multiple submitters, no conflicts (2 of 4 stars). 3 submissions from 3 submitters: Uncertain significance (2). 1 of the submissions does not count toward it. Last evaluated 2023-12-06.

Conditions:
GNE myopathy (NM). Also called: NONAKA DISTAL MYOPATHY; INCLUSION BODY MYOPATHY, HEREDITARY, AUTOSOMAL RECESSIVE; IBM 2; Inclusion body myopathy autosomal recessive; Inclusion body myopathy quadriceps sparing; INCLUSION BODY MYOPATHY 2, AUTOSOMAL RECESSIVE. Identifiers: Orphanet 602, MedGen C1853926, MONDO:0011603, OMIM 605820.
Sialuria. Also called: SIALURIA, FRENCH TYPE; Sialic Acid Storage Disease. Identifiers: Orphanet 3166, MedGen C0342853, MONDO:0010028, OMIM 269921.

gnomAD v4.1: 1 of 1,614,146 alleles (0.000062%); no homozygotes.

Submissions (3):

Labcorp Genetics (formerly Invitae), Labcorp
Classification: Uncertain significance for Sialuria; GNE myopathy. Last evaluated: 2023-12-06. Review status: criteria provided, single submitter. Criteria: Invitae Variant Classification Sherloc (09022015). Collection method: clinical testing. Allele origin: germline.
Comment: This sequence change replaces glycine, which is neutral and non-polar, with alanine, which is neutral and non-polar, at codon 599 of the GNE protein (p.Gly599Ala). This variant is not present in population databases (gnomAD no frequency). This variant has not been reported in the literature in individuals affected with GNE-related conditions. ClinVar contains an entry for this variant (Variation ID: 1391556). Advanced modeling of protein sequence and biophysical properties (such as structural, functional, and spatial information, amino acid conservation, physicochemical variation, residue mobility, and thermodynamic stability) has been performed at Invitae for this missense variant, however the output from this modeling did not meet the statistical confidence thresholds required to predict the impact of this variant on GNE protein function. This variant disrupts the p.Gly599 amino acid residue in GNE. Other variant(s) that disrupt this residue have been observed in individuals with GNE-related conditions (PMID: 22507750, 24005727), which suggests that this may be a clinically significant amino acid residue. In summary, the available evidence is currently insufficient to determine the role of this variant in disease. Therefore, it has been classified as a Variant of Uncertain Significance.

Revvity Omics, Revvity
Classification: Uncertain significance. Last evaluated: 2022-07-26. Review status: criteria provided, single submitter. Criteria: ACMG Guidelines, 2015. Collection method: clinical testing. Allele origin: germline.

Natera, Inc.
Classification: Uncertain significance for Nonaka myopathy. Last evaluated: 2025-05-26. Review status: no assertion criteria provided. Collection method: clinical testing. Allele origin: germline. Not counted in ClinVar's aggregate classification.

Literature cited by the submitters: PubMed 22507750 (cited by Labcorp Genetics (formerly Invitae), Labcorp); PubMed 24005727 (cited by Labcorp Genetics (formerly Invitae), Labcorp).